The following is an entry in ClinVar:

NM_004820.5(CYP7B1):c.80C>T (p.Ala27Val)

Gene: CYP7B1 (cytochrome P450 family 7 subfamily B member 1; minus strand). Cytogenetic location: 8q12.3.
Variant type: single nucleotide variant.
Coding change: c.80C>T on transcript NM_004820.5 (MANE Select); coding-DNA position 80, C replaced by T.
Protein change: p.Ala27Val; replaces alanine 27 with valine.
Molecular consequence: missense variant.
Genome position (GRCh38, 1-based): chr8:64,798,508, G>A on the plus strand (C>T on the coding strand, the complement: CYP7B1 is on the minus strand). VCF-style: chr8-64798508-G-A. GRCh37 (hg19) VCF-style: chr8-65711065-G-A.
Other names: c.80C>T (NM_004820.3); c.80C>T, p.Ala27Val (NM_001324112.2); short protein forms A27V.
Identifiers: ClinVar variation 2195005 (VCV002195005.2), dbSNP rs979802387, ClinGen allele CA179061871.
Genomic context (GRCh38, chr8:64,798,508, plus strand): 5'-GGCGGCCGAGGCGCTTACCTGGTGCGCCGGACAAGCAAGCAGAGGGCCAGGAGCAGCAGG[G>A]CCGCGGCGAGGGCCAGGCCCGGGAGGCCCAACCGCTCCAGCGAAAAGCGGCCCGTGGCCG-3'
Protein context (NP_004811.1, residues 17-37): LGLPGLALAA[Ala27Val]LLLLALCLLV

ClinVar aggregate classification (germline): Uncertain significance. Review status: criteria provided, multiple submitters, no conflicts (2 of 4 stars). 2 submissions from 2 submitters: Uncertain significance (2). Last evaluated 2025-10-18.

Conditions:
Inborn genetic diseases. Identifiers: MedGen C0950123, MeSH D030342.
Spastic paraplegia. Identifiers: MedGen C0037772, HP:0001258.

Allele frequency attached by ClinVar (database versions not stated): gnomAD 0.00001; TOPMed 0.00001; gnomAD exomes 0.00003.
gnomAD v4.1: 40 of 1,507,834 alleles (0.0027%); highest among the groups gnomAD compares: Non-Finnish European, 0.0034%; no homozygotes.

Submissions (2):

Ambry Genetics
Classification: Uncertain significance for Inborn genetic diseases. Last evaluated: 2025-10-18. Review status: criteria provided, single submitter. Criteria: Ambry Variant Classification Scheme 2023. Collection method: clinical testing. Allele origin: germline.

Labcorp Genetics (formerly Invitae), Labcorp
Classification: Uncertain significance for Spastic paraplegia. Last evaluated: 2022-07-17. Review status: criteria provided, single submitter. Criteria: Invitae Variant Classification Sherloc (09022015). Collection method: clinical testing. Allele origin: germline.
Comment: This sequence change replaces alanine, which is neutral and non-polar, with valine, which is neutral and non-polar, at codon 27 of the CYP7B1 protein (p.Ala27Val). The frequency data for this variant in the population databases is considered unreliable, as metrics indicate poor data quality at this position in the gnomAD database. This variant has not been reported in the literature in individuals affected with CYP7B1-related conditions. Algorithms developed to predict the effect of missense changes on protein structure and function are either unavailable or do not agree on the potential impact of this missense change (SIFT: "Tolerated"; PolyPhen-2: "Possibly Damaging"; Align-GVGD: "Class C0"). In summary, the available evidence is currently insufficient to determine the role of this variant in disease. Therefore, it has been classified as a Variant of Uncertain Significance.